The following is an entry in ClinVar:

ClinVar aggregate classification (germline): Uncertain significance. Review status: criteria provided, multiple submitters, no conflicts (2 of 4 stars). 3 submissions from 3 submitters: Uncertain significance (3). Last evaluated 2026-05-18.

Allele frequency attached by ClinVar (database versions not stated): gnomAD 0.00001; ExAC 0.00010.

Submissions (3):

Women's Health and Genetics/Laboratory Corporation of America, LabCorp
Classification: Uncertain significance. Last evaluated: 2026-05-18. Review status: criteria provided, single submitter. Criteria: LabCorp Variant Classification Summary - May 2015. Collection method: clinical testing. Allele origin: germline.
Comment: Variant summary: EYS c.400C>T (p.His134Tyr) results in a conservative amino acid change in the encoded protein sequence. Algorithms developed to predict the effect of missense changes on protein structure and function all suggest that this variant is likely to be tolerated. The variant allele was found at a frequency of 5.2e-05 in 251332 control chromosomes. This frequency is not significantly higher than estimated for disease-causing variants in EYS, allowing no conclusion about variant significance. c.400C>T has been observed in at least one individual(s) affected with retinitis pigmentosa (e.g. Maltese_2022). These report(s) do not provide unequivocal conclusions about association of the variant with disease. To our knowledge, no experimental evidence demonstrating an impact on protein function has been reported. The following publication has been ascertained in the context of this evaluation (PMID: 35836572). ClinVar contains an entry for this variant (Variation ID: 2143430). Based on the evidence outlined above, the variant was classified as uncertain significance.

Blueprint Genetics
Classification: Uncertain significance. Last evaluated: 2022-02-23. Review status: criteria provided, single submitter. Criteria: ACMG Guidelines, 2015. Collection method: clinical testing. Allele origin: germline.

Labcorp Genetics (formerly Invitae), Labcorp
Classification: Uncertain significance. Last evaluated: 2021-08-31. Review status: criteria provided, single submitter. Criteria: Invitae Variant Classification Sherloc (09022015). Collection method: clinical testing. Allele origin: germline.
Comment: This sequence change replaces histidine with tyrosine at codon 134 of the EYS protein (p.His134Tyr). The histidine residue is highly conserved and there is a moderate physicochemical difference between histidine and tyrosine. This variant is present in population databases (rs765304266, ExAC 0.07%). This variant has not been reported in the literature in individuals affected with EYS-related conditions. Algorithms developed to predict the effect of missense changes on protein structure and function (SIFT, PolyPhen-2, Align-GVGD) all suggest that this variant is likely to be tolerated. In summary, the available evidence is currently insufficient to determine the role of this variant in disease. Therefore, it has been classified as a Variant of Uncertain Significance.

Literature cited by the submitters: PubMed 35836572 (cited by Women's Health and Genetics/Laboratory Corporation of America, LabCorp).

NM_001142800.2(EYS):c.400C>T (p.His134Tyr)

Gene: EYS (EGF-like photoreceptor maintenance factor; minus strand). Cytogenetic location: 6q12.
Variant type: single nucleotide variant.
Coding change: c.400C>T on transcript NM_001142800.2 (MANE Select); coding-DNA position 400, C replaced by T.
Protein change: p.His134Tyr; replaces histidine 134 with tyrosine.
Molecular consequence: missense variant.
Genome position (GRCh38, 1-based): chr6:65,495,011, G>A on the plus strand (C>T on the coding strand, the complement: EYS is on the minus strand). VCF-style: chr6-65495011-G-A. GRCh37 (hg19) VCF-style: chr6-66204904-G-A.
Other names: c.400C>T, p.His134Tyr (NM_001142801.2, NM_001292009.2, NM_198283.2); c.400C>T (NM_001142800.1); short protein forms H134Y.
Identifiers: ClinVar variation 2143430 (VCV002143430.4), dbSNP rs765304266, ClinGen allele CA3878077.